The following is an entry in ClinVar:

ClinVar aggregate classification (germline): Uncertain significance. Review status: criteria provided, multiple submitters, no conflicts (2 of 4 stars). 3 submissions from 3 submitters: Uncertain significance (3). Last evaluated 2024-05-24.

Allele frequency attached by ClinVar (database versions not stated): gnomAD exomes 0.00001 and 0.00002; gnomAD 0.00003; TOPMed 0.00004; ESP Exome Variant Server 0.00008.
gnomAD v4.1: 32 of 1,613,960 alleles (0.002%); highest among the groups gnomAD compares: Non-Finnish European, 0.0024%; no homozygotes.

Submissions (3):

Labcorp Genetics (formerly Invitae), Labcorp
Classification: Uncertain significance. Last evaluated: 2024-05-24. Review status: criteria provided, single submitter. Criteria: Invitae Variant Classification Sherloc (09022015). Collection method: clinical testing. Allele origin: germline.
Comment: This sequence change replaces arginine, which is basic and polar, with threonine, which is neutral and polar, at codon 202 of the TOPORS protein (p.Arg202Thr). This variant is present in population databases (rs369435330, gnomAD 0.003%). This variant has not been reported in the literature in individuals affected with TOPORS-related conditions. ClinVar contains an entry for this variant (Variation ID: 449617). An algorithm developed to predict the effect of missense changes on protein structure and function (PolyPhen-2) suggests that this variant is likely to be disruptive. In summary, the available evidence is currently insufficient to determine the role of this variant in disease. Therefore, it has been classified as a Variant of Uncertain Significance.

Blueprint Genetics
Classification: Uncertain significance. Last evaluated: 2021-06-04. Review status: criteria provided, single submitter. Criteria: ACMG Guidelines, 2015. Collection method: clinical testing. Allele origin: germline.

GeneDx
Classification: Uncertain significance. Last evaluated: 2019-06-10. Review status: criteria provided, single submitter. Criteria: GeneDx Variant Classification Process June 2021. Collection method: clinical testing. Allele origin: germline. Affected: yes.
Comment: Not observed in large population cohorts (Lek et al., 2016); In silico analysis, which includes protein predictors and evolutionary conservation, supports that this variant does not alter protein structure/function; Has not been previously published as pathogenic or benign to our knowledge

NM_005802.5(TOPORS):c.605G>C (p.Arg202Thr)

Gene: TOPORS (TOP1 binding arginine/serine rich protein, E3 ubiquitin ligase; minus strand). Cytogenetic location: 9p21.1.
Variant type: single nucleotide variant.
Coding change: c.605G>C on transcript NM_005802.5 (MANE Select); coding-DNA position 605, G replaced by C.
Protein change: p.Arg202Thr; replaces arginine 202 with threonine.
Molecular consequence: missense variant.
Genome position (GRCh38, 1-based): chr9:32,543,920, C>G on the plus strand (G>C on the coding strand, the complement: TOPORS is on the minus strand). VCF-style: chr9-32543920-C-G. GRCh37 (hg19) VCF-style: chr9-32543918-C-G.
Other names: c.410G>C, p.Arg137Thr (NM_001195622.2); short protein forms R202T, R137T.
Identifiers: ClinVar variation 449617 (VCV000449617.12), dbSNP rs369435330, ClinGen allele CA192359471.